The following is an entry in ClinVar:

ClinVar aggregate classification (germline): Likely benign. Review status: criteria provided, single submitter (1 of 4 stars). 2 submissions from 2 submitters: Likely benign (1). 1 of the submissions does not count toward it. Last evaluated 2019-08-09.

Conditions:
AGBL5-related disorder. Also called: AGBL5-related condition.

Allele frequency attached by ClinVar (database versions not stated): ExAC 0.00001; gnomAD 0.00001; gnomAD exomes 0.00001; TOPMed 0.00001; 1000 Genomes Project 0.00020; 1000 Genomes Project 30x 0.00047.
gnomAD v4.1: 5 of 1,608,036 alleles (0.00031%); highest among the groups gnomAD compares: Admixed American, 0.0051%; no homozygotes.

Submissions (2):

Labcorp Genetics (formerly Invitae), Labcorp
Classification: Likely benign. Last evaluated: 2019-08-09. Review status: criteria provided, single submitter. Criteria: Invitae Variant Classification Sherloc (09022015). Collection method: clinical testing. Allele origin: germline.

PreventionGenetics, part of Exact Sciences
Classification: Likely benign for AGBL5-related condition. Last evaluated: 2021-06-02. Review status: no assertion criteria provided. Collection method: clinical testing. Allele origin: germline. Not counted in ClinVar's aggregate classification.
Comment: This variant is classified as likely benign based on ACMG/AMP sequence variant interpretation guidelines (Richards et al. 2015 PMID: 25741868, with internal and published modifications).

NM_021831.6(AGBL5):c.552-9T>C

Gene: AGBL5 (AGBL carboxypeptidase 5; plus strand). Cytogenetic location: 2p23.3.
Variant type: single nucleotide variant.
Coding change: c.552-9T>C on transcript NM_021831.6 (MANE Select); 9 bases into the intron before coding-DNA position 552, T replaced by C.
Molecular consequence: intron variant.
Genome position (GRCh38, 1-based): chr2:27,054,621, T>C. VCF-style: chr2-27054621-T-C. GRCh37 (hg19) VCF-style: chr2-27277489-T-C.
Other names: c.552-9T>C (NM_021831.5, NM_001035507.3).
Identifiers: ClinVar variation 1159565 (VCV001159565.11), dbSNP rs541594007, ClinGen allele CA1567672.